The following is an entry in ClinVar:

ClinVar aggregate classification (germline): Uncertain significance (1 of 4 stars; one submission).

Conditions:
Neuropathy, hereditary sensory and autonomic, type 2A (HSAN2A). Also called: MORVAN DISEASE; NEUROPATHY, CONGENITAL SENSORY; NEUROPATHY, HEREDITARY SENSORY RADICULAR, AUTOSOMAL RECESSIVE; NEUROPATHY, HEREDITARY SENSORY, TYPE IIA; NEUROPATHY, PROGRESSIVE SENSORY, OF CHILDREN; WNK1-Related HSAN2 (HSAN2A). Identifiers: Orphanet 970, MedGen C2752089, MONDO:0024309, OMIM 201300.
Pseudohypoaldosteronism type 2C (PHA2C). Also called: Pseudohypoaldosteronism Type IIC. Identifiers: Orphanet 757, Orphanet 88940, MedGen C1840391, MONDO:0013778, OMIM 614492.

Submission:

Labcorp Genetics (formerly Invitae), Labcorp
Classification: Uncertain significance for Neuropathy, hereditary sensory and autonomic, type 2A; Pseudohypoaldosteronism type 2C. Last evaluated: 2024-10-07. Review status: criteria provided, single submitter. Criteria: Invitae Variant Classification Sherloc (09022015). Collection method: clinical testing. Allele origin: germline.
Comment: This sequence change replaces glutamine, which is neutral and polar, with proline, which is neutral and non-polar, at codon 1296 of the WNK1 protein (p.Gln1296Pro). This variant is not present in population databases (gnomAD no frequency). This variant has not been reported in the literature in individuals affected with WNK1-related conditions. ClinVar contains an entry for this variant (Variation ID: 1041655). Invitae Evidence Modeling of protein sequence and biophysical properties (such as structural, functional, and spatial information, amino acid conservation, physicochemical variation, residue mobility, and thermodynamic stability) indicates that this missense variant is not expected to disrupt WNK1 protein function with a negative predictive value of 95%. Algorithms developed to predict the effect of sequence changes on RNA splicing suggest that this variant may create or strengthen a splice site. In summary, the available evidence is currently insufficient to determine the role of this variant in disease. Therefore, it has been classified as a Variant of Uncertain Significance.

NM_018979.4(WNK1):c.3131A>C (p.Gln1044Pro)

Gene: WNK1 (WNK lysine deficient protein kinase 1; plus strand). Cytogenetic location: 12p13.33.
Variant type: single nucleotide variant.
Coding change: c.3131A>C on transcript NM_018979.4 (MANE Select); coding-DNA position 3131, A replaced by C.
Protein change: p.Gln1044Pro; replaces glutamine 1044 with proline.
Molecular consequence: missense variant.
Genome position (GRCh38, 1-based): chr12:881,711, A>C. VCF-style: chr12-881711-A-C. GRCh37 (hg19) VCF-style: chr12-990877-A-C.
Other names: c.3911A>C, p.Gln1304Pro (NM_001184985.2); c.2390A>C, p.Gln797Pro (NM_014823.3); c.3887A>C, p.Gln1296Pro (NM_213655.5); short protein forms Q797P, Q1044P, Q1296P, Q1304P.
Identifiers: ClinVar variation 1041655 (VCV001041655.8), dbSNP rs1953178178, ClinGen allele CA383327506.